The following is an entry in ClinVar:

NM_000528.4(MAN2B1):c.2669C>G (p.Ser890Ter)

Gene: MAN2B1 (mannosidase alpha class 2B member 1; minus strand). Cytogenetic location: 19p13.13.
Variant type: single nucleotide variant.
Coding change: c.2669C>G on transcript NM_000528.4 (MANE Select); coding-DNA position 2669, C replaced by G.
Protein change: p.Ser890Ter; replaces serine 890 with a stop codon.
Molecular consequence: nonsense.
Genome position (GRCh38, 1-based): chr19:12,647,594, G>C on the plus strand (C>G on the coding strand, the complement: MAN2B1 is on the minus strand). VCF-style: chr19-12647594-G-C. GRCh37 (hg19) VCF-style: chr19-12758408-G-C.
Other names: c.2666C>G, p.Ser889Ter (NM_001173498.2); short protein forms S890*, S889*.
Identifiers: ClinVar variation 552770 (VCV000552770.18), dbSNP rs1406466561, ClinGen allele CA404238254.

ClinVar aggregate classification (germline): Pathogenic/Likely pathogenic. Review status: criteria provided, multiple submitters, no conflicts (2 of 4 stars). 7 submissions from 7 submitters: Pathogenic (5); Likely pathogenic (1). 1 of the submissions does not count toward it. Last evaluated 2025-09-26.

Conditions:
MAN2B1-related disorder. Also called: MAN2B1-related condition.
Deficiency of alpha-mannosidase (MANSA). Also called: Alpha-Mannosidosis; Mannosidosis, alpha-, types I and II; LYSOSOMAL ALPHA-D-MANNOSIDASE DEFICIENCY. Identifiers: Orphanet 61, MedGen C0024748, MONDO:0009561, OMIM 248500.

Allele frequency attached by ClinVar (database versions not stated): gnomAD exomes below 0.00001; TOPMed 0.00001.
gnomAD v4.1: 2 of 1,612,630 alleles (0.00012%); highest among the groups gnomAD compares: Non-Finnish European, 0.00017%; no homozygotes.

Submissions (7):

Natera, Inc.
Classification: Pathogenic for Alpha-mannosidosis. Last evaluated: 2025-09-26. Review status: criteria provided, single submitter. Criteria: Natera Variant Classification Schema (03/2026). Collection method: clinical testing. Allele origin: germline.
Comment: The c.2669C>G variant in MAN2B1 is a nonsense variant predicted to introduce a stop codon at amino acid 890. This variant is expected to result in nonsense mediated decay, truncation, or a dysfunctional protein product. This variant is rare in the general population with a frequency below the threshold expected for the associated phenotype(s). This variant has been observed in one or more individuals affected with the associated recessive disease, as either homozygous or compound heterozygous with a second variant (PMID: 22161967). Given the available evidence, this variant is classified as Pathogenic.

Labcorp Genetics (formerly Invitae), Labcorp
Classification: Pathogenic for Deficiency of alpha-mannosidase. Last evaluated: 2025-01-01. Review status: criteria provided, single submitter. Criteria: Invitae Variant Classification Sherloc (09022015). Collection method: clinical testing. Allele origin: germline.
Comment: This sequence change creates a premature translational stop signal (p.Ser890*) in the MAN2B1 gene. It is expected to result in an absent or disrupted protein product. Loss-of-function variants in MAN2B1 are known to be pathogenic (PMID: 9915946, 22161967). This variant is not present in population databases (gnomAD no frequency). This premature translational stop signal has been observed in individuals with mannosidosis (PMID: 22161967). ClinVar contains an entry for this variant (Variation ID: 552770). For these reasons, this variant has been classified as Pathogenic.

Blueprint Genetics
Classification: Likely pathogenic for MAN2B1-related disorders. Last evaluated: 2024-03-06. Review status: criteria provided, single submitter. Criteria: ACMG Guidelines, 2015. Collection method: clinical testing. Allele origin: germline. Affected: yes. Observed: 1 variant allele.

Baylor Genetics
Classification: Pathogenic for Deficiency of alpha-mannosidase. Last evaluated: 2023-11-27. Review status: criteria provided, single submitter. Criteria: ACMG Guidelines, 2015. Collection method: clinical testing. Allele origin: unknown.

Genome-Nilou Lab
Classification: Pathogenic for Deficiency of alpha-mannosidase. Last evaluated: 2021-09-05. Review status: criteria provided, single submitter. Criteria: ACMG Guidelines, 2015. Collection method: clinical testing. Allele origin: germline. Affected: no.

Women's Health and Genetics/Laboratory Corporation of America, LabCorp
Classification: Pathogenic for Deficiency of alpha-mannosidase. Last evaluated: 2019-05-02. Review status: criteria provided, single submitter. Criteria: LabCorp Variant Classification Summary - May 2015. Collection method: clinical testing. Allele origin: germline.
Comment: Variant summary: MAN2B1 c.2669C>G (p.Ser890X) results in a premature termination codon, predicted to cause a truncation of the encoded protein or absence of the protein due to nonsense mediated decay, which are commonly known mechanisms for disease. The variant was absent in 245278 control chromosomes (gnomAD). c.2669C>G has been reported in the literature in compound heterozygote individuals affected with Alpha-Mannosidosis (Rise Stensland_2012). These data indicate that the variant is likely associated with disease. To our knowledge, no experimental evidence demonstrating an impact on protein function has been reported. A ClinVar submission from a clinical diagnostic laboratory (evaluation after 2014) cites the variant as pathogenic. Based on the evidence outlined above, the variant was classified as pathogenic.

Counsyl
Classification: Pathogenic for Deficiency of alpha-mannosidase. Last evaluated: 2017-07-05. Review status: no assertion criteria provided. Collection method: clinical testing. Allele origin: unknown. Not counted in ClinVar's aggregate classification.

Literature cited by the submitters: PubMed 22161967 (cited by 4 submitters); PubMed 9915946 (cited by Labcorp Genetics (formerly Invitae), Labcorp).